The following is an entry in ClinVar:

NM_004304.5(ALK):c.3161G>T (p.Gly1054Val)

Gene: ALK (ALK receptor tyrosine kinase; minus strand). Cytogenetic location: 2p23.2.
Variant type: single nucleotide variant.
Coding change: c.3161G>T on transcript NM_004304.5 (MANE Select); coding-DNA position 3161, G replaced by T.
Protein change: p.Gly1054Val; replaces glycine 1054 with valine.
Molecular consequence: missense variant.
Genome position (GRCh38, 1-based): chr2:29,225,472, C>A on the plus strand (G>T on the coding strand, the complement: ALK is on the minus strand). VCF-style: chr2-29225472-C-A. GRCh37 (hg19) VCF-style: chr2-29448338-C-A.
Other names: short protein forms G1054V.
Identifiers: ClinVar variation 1059169 (VCV001059169.9), dbSNP rs2148176315, ClinGen allele CA346466768.

ClinVar aggregate classification (germline): Uncertain significance (1 of 4 stars; one submission).

Conditions:
Neuroblastoma, susceptibility to, 3. Also called: ALK-Related Neuroblastic Tumor Susceptibility. Identifiers: Orphanet 635, MedGen C2751681, MONDO:0013083, OMIM 613014.

Submission:

Labcorp Genetics (formerly Invitae), Labcorp
Classification: Uncertain significance for Neuroblastoma, susceptibility to, 3. Last evaluated: 2020-05-03. Review status: criteria provided, single submitter. Criteria: Invitae Variant Classification Sherloc (09022015). Collection method: clinical testing. Allele origin: germline.
Comment: This sequence change replaces glycine with valine at codon 1054 of the ALK protein (p.Gly1054Val). The glycine residue is highly conserved and there is a moderate physicochemical difference between glycine and valine. This variant is not present in population databases (ExAC no frequency). This variant has not been reported in the literature in individuals with ALK-related conditions. Algorithms developed to predict the effect of missense changes on protein structure and function (SIFT, PolyPhen-2, Align-GVGD) all suggest that this variant is likely to be disruptive, but these predictions have not been confirmed by published functional studies and their clinical significance is uncertain. In summary, the available evidence is currently insufficient to determine the role of this variant in disease. Therefore, it has been classified as a Variant of Uncertain Significance.